The following is an entry in ClinVar:

ClinVar aggregate classification (germline): Benign/Likely benign. Review status: criteria provided, multiple submitters, no conflicts (2 of 4 stars). 5 submissions from 5 submitters: Benign (2); Likely benign (3). Last evaluated 2026-01-18.

Allele frequency attached by ClinVar (database versions not stated): 1000 Genomes Project 0.00499; 1000 Genomes Project 30x 0.00500; TOPMed 0.00804; gnomAD 0.00811 and 0.00857; ExAC 0.01010; ESP Exome Variant Server 0.01023.
gnomAD v4.1: 16,842 of 1,614,202 alleles (1%); highest among the groups gnomAD compares: South Asian, 1.5%; 142 homozygotes.

Submissions (5):

Labcorp Genetics (formerly Invitae), Labcorp
Classification: Benign. Last evaluated: 2026-01-18. Review status: criteria provided, single submitter. Criteria: Invitae Variant Classification Sherloc (09022015). Collection method: clinical testing. Allele origin: germline.

ARUP Laboratories, Molecular Genetics and Genomics, ARUP Laboratories
Classification: Benign. Last evaluated: 2025-06-05. Review status: criteria provided, single submitter. Criteria: ARUP Molecular Germline Variant Investigation Process 2024. Collection method: clinical testing. Allele origin: germline.

Mayo Clinic Laboratories, Mayo Clinic
Classification: Likely benign. Last evaluated: 2025-04-17. Review status: criteria provided, single submitter. Criteria: ACMG Guidelines, 2015. Collection method: clinical testing. Allele origin: germline. Observed: 51 variant alleles.
Comment: BS1, BS2

Blueprint Genetics
Classification: Likely benign. Last evaluated: 2024-11-27. Review status: criteria provided, single submitter. Criteria: ACMG Guidelines, 2015. Collection method: clinical testing. Allele origin: germline.

Breakthrough Genomics
Classification: Likely benign. Review status: criteria provided, single submitter. Criteria: ACMG Guidelines, 2015. Collection method: not provided. Allele origin: germline. Inheritance: Autosomal dominant inheritance. Affected: yes.

NM_001355436.2(SPTB):c.609G>A (p.Lys203=)

Gene: SPTB (spectrin beta, erythrocytic; minus strand). Cytogenetic location: 14q23.3.
Variant type: single nucleotide variant.
Coding change: c.609G>A on transcript NM_001355436.2 (MANE Select); coding-DNA position 609, G replaced by A.
Protein change: p.Lys203=; no amino-acid change (lysine 203 retained).
Molecular consequence: synonymous variant.
Genome position (GRCh38, 1-based): chr14:64,801,792, C>T on the plus strand (G>A on the coding strand, the complement: SPTB is on the minus strand). VCF-style: chr14-64801792-C-T. GRCh37 (hg19) VCF-style: chr14-65268510-C-T.
Other names: p.Lys203=; c.609G>A, p.Lys203= (NM_001024858.4, NM_001355437.2).
Identifiers: ClinVar variation 313778 (VCV000313778.30), dbSNP rs74666863, ClinGen allele CA7231392.